The following is an entry in ClinVar:

ClinVar aggregate classification (germline): Conflicting classifications of pathogenicity. Review status: criteria provided, conflicting classifications (1 of 4 stars). 2 submissions from 2 submitters: Uncertain significance (1); Likely benign (1). Last evaluated 2026-07-03.

Submissions (2):

Ambry Genetics
Classification: Uncertain significance. Last evaluated: 2026-07-03. Review status: criteria provided, single submitter. Criteria: Ambry Variant Classification Scheme 2023. Collection method: clinical testing. Allele origin: germline.

CeGaT Center for Human Genetics Tuebingen
Classification: Likely benign. Last evaluated: 2026-04-01. Review status: criteria provided, single submitter. Criteria: CeGaT Center For Human Genetics Tuebingen Variant Classification Criteria Version 2. Collection method: clinical testing. Allele origin: germline. Affected: yes. Observed: 1 variant allele.
Comment: SPATA31A3: PP2, BP4, BS2

NM_001083124.1(SPATA31A3):c.44C>T (p.Ser15Leu)

Gene: SPATA31A3 (SPATA31 subfamily A member 3; minus strand). Cytogenetic location: 9q21.11.
Variant type: single nucleotide variant.
Coding change: c.44C>T on transcript NM_001083124.1 (MANE Select); coding-DNA position 44, C replaced by T.
Protein change: p.Ser15Leu; replaces serine 15 with leucine.
Molecular consequence: missense variant.
Genome position (GRCh38, 1-based): chr9:66,992,478, G>A on the plus strand (C>T on the coding strand, the complement: SPATA31A3 is on the minus strand). VCF-style: chr9-66992478-G-A. GRCh37 (hg19) VCF-style: chr9-40700363-C-T.
Other names: short protein forms S15L.
Identifiers: ClinVar variation 2402398 (VCV002402398.5), dbSNP rs1216334584, ClinGen allele CA373612627.
Genomic context (GRCh38, chr9:66,992,478, plus strand): 5'-GCAAACACCAAAGTGAGGAAGATATCCAACACCCATGGTGTGGAACTGGGGGCGTTTAGC[G>A]ATGAGGCACTAAGTAATTTTAAAGGAAAGGGAAGATTCTCCATGTGAATAGGCGCGTTGC-3'
Protein context (NP_001076593.1, residues 5-25): PFPLKLLSAS[Ser15Leu]LNAPSSTPWV